The following is an entry in ClinVar:

NM_004064.5(CDKN1B):c.282_283delinsTT (p.Pro95Ser)

Gene: CDKN1B (cyclin dependent kinase inhibitor 1B; plus strand). Cytogenetic location: 12p13.1.
Variant type: Indel.
Coding change: c.282_283delinsTT on transcript NM_004064.5 (MANE Select); coding-DNA positions 282 to 283, CC replaced by TT.
Protein change: p.Pro95Ser; replaces proline 95 with serine.
Molecular consequence: missense variant.
Genome position (GRCh38, 1-based): chr12:12,718,121-12,718,122, CC replaced by TT. VCF-style: chr12-12718121-CC-TT. GRCh37 (hg19) VCF-style: chr12-12871055-CC-TT.
Other names: short protein forms P95S.
Identifiers: ClinVar variation 998999 (VCV000998999.7), dbSNP rs1946493816, ClinGen allele CA2017047685.
Genomic context (GRCh38, chr12:12,718,121, plus strand): 5'-CGAGTGGCAAGAGGTGGAGAAGGGCAGCTTGCCCGAGTTCTACTACAGACCCCCGCGGCC[CC>TT]CCAAAGGTGCCTGCAAGGTGCCGGCGCAGGAGAGCCAGGATGTCAGCGGGAGCCGCCCGG-3'
Protein context (NP_004055.1, residues 85-105): PEFYYRPPRP[Pro95Ser]KGACKVPAQE

ClinVar aggregate classification (germline): Uncertain significance (1 of 4 stars; one submission).

Conditions:
Multiple endocrine neoplasia type 4. Also called: MULTIPLE ENDOCRINE NEOPLASIA, TYPE IV. Identifiers: Orphanet 276152, MedGen C1970712, MONDO:0012552, OMIM 610755.

Submission:

Labcorp Genetics (formerly Invitae), Labcorp
Classification: Uncertain significance for Multiple endocrine neoplasia type 4. Last evaluated: 2020-05-13. Review status: criteria provided, single submitter. Criteria: Invitae Variant Classification Sherloc (09022015). Collection method: clinical testing. Allele origin: germline.
Comment: In summary, the available evidence is currently insufficient to determine the role of this variant in disease. Therefore, it has been classified as a Variant of Uncertain Significance. This amino acid change has been reported to affect CDKN1B protein function (PMID: 19141585). This amino acid change has been observed in individual(s) with features of multiple endocrine neoplasia type 1 (PMID: 19141585). This variant is not present in population databases (ExAC no frequency). This sequence change replaces proline with serine at codon 95 of the CDKN1B protein (p.Pro95Ser). The proline residue is moderately conserved and there is a moderate physicochemical difference between proline and serine.

Literature cited by the submitters: PubMed 19141585.